The following is an entry in ClinVar:

ClinVar aggregate classification (germline): Uncertain significance (1 of 4 stars; one submission).

Conditions:
Osteogenesis imperfecta type I (OI1). Also called: Classic Non-deforming Osteogenesis Imperfecta with Blue Sclerae; OI, TYPE I; OSTEOGENESIS IMPERFECTA TARDA; OSTEOGENESIS IMPERFECTA WITH BLUE SCLERAE; Osteogenesis imperfecta type 1; Lobstein's Disease. Identifiers: Orphanet 216796, Orphanet 666, MedGen C0023931, MONDO:0008146, OMIM 166200. Disease mechanism: loss of function.

Allele frequency attached by ClinVar (database versions not stated): gnomAD exomes below 0.00001.
gnomAD v4.1: 1 of 1,614,130 alleles (0.000062%); highest among the groups gnomAD compares: Non-Finnish European, 0.000085%; no homozygotes.

Submission:

Labcorp Genetics (formerly Invitae), Labcorp
Classification: Uncertain significance for Osteogenesis imperfecta type I. Last evaluated: 2022-02-05. Review status: criteria provided, single submitter. Criteria: Invitae Variant Classification Sherloc (09022015). Collection method: clinical testing. Allele origin: germline.
Comment: In summary, the available evidence is currently insufficient to determine the role of this variant in disease. Therefore, it has been classified as a Variant of Uncertain Significance. Advanced modeling of protein sequence and biophysical properties (such as structural, functional, and spatial information, amino acid conservation, physicochemical variation, residue mobility, and thermodynamic stability) performed at Invitae indicates that this missense variant is not expected to disrupt COL1A1 protein function. This variant has not been reported in the literature in individuals affected with COL1A1-related conditions. This variant is not present in population databases (gnomAD no frequency). This sequence change replaces proline, which is neutral and non-polar, with alanine, which is neutral and non-polar, at codon 193 of the COL1A1 protein (p.Pro193Ala).

NM_000088.4(COL1A1):c.577C>G (p.Pro193Ala)

Gene: COL1A1 (collagen type I alpha 1 chain; minus strand). Cytogenetic location: 17q21.33.
Variant type: single nucleotide variant.
Coding change: c.577C>G on transcript NM_000088.4 (MANE Select); coding-DNA position 577, C replaced by G.
Protein change: p.Pro193Ala; replaces proline 193 with alanine.
Molecular consequence: missense variant.
Genome position (GRCh38, 1-based): chr17:50,198,172, G>C on the plus strand (C>G on the coding strand, the complement: COL1A1 is on the minus strand). VCF-style: chr17-50198172-G-C. GRCh37 (hg19) VCF-style: chr17-48275533-G-C.
Other names: short protein forms P193A.
Identifiers: ClinVar variation 1413115 (VCV001413115.8), dbSNP rs2144587738, ClinGen allele CA400225564.